The following is an entry in ClinVar:

ClinVar aggregate classification (germline): Conflicting classifications of pathogenicity. Review status: criteria provided, conflicting classifications (1 of 4 stars). 5 submissions from 5 submitters: Uncertain significance (1); Benign (2); Likely benign (1). 1 of the submissions does not count toward it. Last evaluated 2025-12-24.

Conditions:
OCA2-related disorder. Also called: OCA2-related condition.
Tyrosinase-positive oculocutaneous albinism (OCA2). Also called: ALBINISM II; Oculocutaneous albinism type 2; Albinism, oculocutaneous, type II. Identifiers: Orphanet 79432, MedGen C0268495, MONDO:0008746, OMIM 203200.

Allele frequency attached by ClinVar (database versions not stated): gnomAD 0.00038 and 0.00040; TOPMed 0.00048; ESP Exome Variant Server 0.00062; ExAC 0.00063; gnomAD exomes 0.00077.
gnomAD v4.1: 601 of 1,614,108 alleles (0.037%); highest among the groups gnomAD compares: Middle Eastern, 0.12%; 3 homozygotes.

Submissions (5):

Labcorp Genetics (formerly Invitae), Labcorp
Classification: Benign. Last evaluated: 2025-12-24. Review status: criteria provided, single submitter. Criteria: Invitae Variant Classification Sherloc (09022015). Collection method: clinical testing. Allele origin: germline.

Blueprint Genetics
Classification: Likely benign. Last evaluated: 2024-10-11. Review status: criteria provided, single submitter. Criteria: ACMG Guidelines, 2015. Collection method: clinical testing. Allele origin: germline.

CeGaT Center for Human Genetics Tuebingen
Classification: Benign. Last evaluated: 2024-05-01. Review status: criteria provided, single submitter. Criteria: CeGaT Center For Human Genetics Tuebingen Variant Classification Criteria Version 2. Collection method: clinical testing. Allele origin: germline. Affected: yes. Observed: 2 variant alleles.
Comment: OCA2: BP4, BS1, BS2

Illumina Laboratory Services, Illumina
Classification: Uncertain significance for Tyrosinase-positive oculocutaneous albinism. Last evaluated: 2017-04-27. Review status: criteria provided, single submitter. Criteria: ICSL Variant Classification Criteria 13 December 2019. Collection method: clinical testing. Allele origin: germline.
Comment: This variant was observed as part of a predisposition screen in an ostensibly healthy population. A literature search was performed for the gene, cDNA change, and amino acid change (where applicable). Publications were found based on this search. However, the evidence from the literature, in combination with allele frequency data from public databases where available, was not sufficient to rule this variant in or out of causing disease. Therefore, this variant is classified as a variant of unknown significance.

PreventionGenetics, part of Exact Sciences
Classification: Benign for OCA2-related condition. Last evaluated: 2019-11-14. Review status: no assertion criteria provided. Collection method: clinical testing. Allele origin: germline. Not counted in ClinVar's aggregate classification.
Comment: This variant is classified as benign based on ACMG/AMP sequence variant interpretation guidelines (Richards et al. 2015 PMID: 25741868, with internal and published modifications).

Literature cited by the submitters: PubMed 23824587 (cited by Illumina Laboratory Services, Illumina).

NM_000275.3(OCA2):c.751G>A (p.Val251Met)

Gene: OCA2 (OCA2 melanosomal transmembrane protein; minus strand). Cytogenetic location: 15q13.1.
Variant type: single nucleotide variant.
Coding change: c.751G>A on transcript NM_000275.3 (MANE Select); coding-DNA position 751, G replaced by A.
Protein change: p.Val251Met; replaces valine 251 with methionine.
Molecular consequence: missense variant.
Genome position (GRCh38, 1-based): chr15:28,018,453, C>T on the plus strand (G>A on the coding strand, the complement: OCA2 is on the minus strand). VCF-style: chr15-28018453-C-T. GRCh37 (hg19) VCF-style: chr15-28263599-C-T.
Other names: c.751G>A, p.Val251Met (NM_001300984.2); short protein forms V251M.
Identifiers: ClinVar variation 886198 (VCV000886198.37), dbSNP rs147432138, ClinGen allele CA7439369.
Genomic context (GRCh38, chr15:28,018,453, plus strand): 5'-TAACCTGCTGTGGCCGCCGCCACCTGGAGCCCAAAGCGTCAGCCTGGGTCAGCTCCACCA[C>T]GATGTGCTCTTCCCTCCCAGGACGACTCGGCCCACTGGCCACTAGGGCCCCTGCCAGGTC-3'
Protein context (NP_000266.2, residues 241-261): PSRPGREEHI[Val251Met]VELTQADALG